The following is an entry in ClinVar:

NM_001365536.1(SCN9A):c.1154T>G (p.Val385Gly)

Genes: SCN1A-AS1 (SCN1A and SCN9A antisense RNA 1; plus strand), SCN9A (sodium voltage-gated channel alpha subunit 9; minus strand). Cytogenetic location: 2q24.3.
Variant type: single nucleotide variant.
Coding change: c.1154T>G on transcript NM_001365536.1 (MANE Select); coding-DNA position 1154, T replaced by G.
Protein change: p.Val385Gly; replaces valine 385 with glycine.
Molecular consequence: missense variant.
Genome position (GRCh38, 1-based): chr2:166,288,597, A>C on the plus strand (T>G on the coding strand, the complement: SCN9A is on the minus strand). VCF-style: chr2-166288597-A-C. GRCh37 (hg19) VCF-style: chr2-167145107-A-C.
Other names: c.1154T>G, p.Val385Gly (NM_002977.4); short protein forms V385G.
Identifiers: ClinVar variation 650356 (VCV000650356.20), dbSNP rs202159091, ClinGen allele CA59802282.

ClinVar aggregate classification (germline): Uncertain significance. Review status: criteria provided, multiple submitters, no conflicts (2 of 4 stars). 5 submissions from 5 submitters: Uncertain significance (5). Last evaluated 2025-11-01.

Conditions:
SCN9A-related disorder. Also called: SCN9A-related disorders; SCN9A-related condition.
Inborn genetic diseases. Identifiers: MedGen C0950123, MeSH D030342.
Generalized epilepsy with febrile seizures plus, type 7 (GEFSP7). Also called: GEFS+, TYPE 7. Identifiers: Orphanet 36387, MedGen C2751778, MONDO:0013470, OMIM 613863.
Neuropathy, hereditary sensory and autonomic, type 2A (HSAN2A). Also called: HSAN IIA; MORVAN DISEASE; NEUROPATHY, CONGENITAL SENSORY; NEUROPATHY, HEREDITARY SENSORY RADICULAR, AUTOSOMAL RECESSIVE; NEUROPATHY, HEREDITARY SENSORY, TYPE IIA; NEUROPATHY, PROGRESSIVE SENSORY, OF CHILDREN. Identifiers: Orphanet 970, MedGen C2752089, MONDO:0024309, OMIM 201300.

Allele frequency attached by ClinVar (database versions not stated): gnomAD 0.00001; gnomAD exomes 0.00001; 1000 Genomes Project 30x 0.00016; 1000 Genomes Project 0.00020.
gnomAD v4.1: 23 of 1,611,790 alleles (0.0014%); highest among the groups gnomAD compares: Non-Finnish European, 0.0016%; no homozygotes.

Submissions (5):

CeGaT Center for Human Genetics Tuebingen
Classification: Uncertain significance. Last evaluated: 2025-11-01. Review status: criteria provided, single submitter. Criteria: CeGaT Center For Human Genetics Tuebingen Variant Classification Criteria Version 2. Collection method: clinical testing. Allele origin: germline. Affected: yes. Observed: 1 variant allele.
Comment: SCN9A: PM2, PP3

Labcorp Genetics (formerly Invitae), Labcorp
Classification: Uncertain significance for Neuropathy, hereditary sensory and autonomic, type 2A; Generalized epilepsy with febrile seizures plus, type 7. Last evaluated: 2025-08-11. Review status: criteria provided, single submitter. Criteria: Invitae Variant Classification Sherloc (09022015). Collection method: clinical testing. Allele origin: germline.
Comment: This sequence change replaces valine, which is neutral and non-polar, with glycine, which is neutral and non-polar, at codon 385 of the SCN9A protein (p.Val385Gly). This variant is present in population databases (rs202159091, gnomAD 0.01%). This variant has not been reported in the literature in individuals affected with SCN9A-related conditions. ClinVar contains an entry for this variant (Variation ID: 650356). Invitae Evidence Modeling of protein sequence and biophysical properties (such as structural, functional, and spatial information, amino acid conservation, physicochemical variation, residue mobility, and thermodynamic stability) has been performed for this missense variant. However, the output from this modeling did not meet the statistical confidence thresholds required to predict the impact of this variant on SCN9A protein function. In summary, the available evidence is currently insufficient to determine the role of this variant in disease. Therefore, it has been classified as a Variant of Uncertain Significance.

Ambry Genetics
Classification: Uncertain significance for Inborn genetic diseases. Last evaluated: 2025-01-23. Review status: criteria provided, single submitter. Criteria: Ambry Variant Classification Scheme 2023. Collection method: clinical testing. Allele origin: germline.

PreventionGenetics, part of Exact Sciences
Classification: Uncertain significance for SCN9A-related condition. Last evaluated: 2023-01-12. Review status: criteria provided, single submitter. Criteria: ACMG Guidelines, 2015. Collection method: clinical testing. Allele origin: germline.
Comment: The SCN9A c.1154T>G variant is predicted to result in the amino acid substitution p.Val385Gly. This variant was reported as a variant of uncertain significance in an individual with suspected Cornelia de Lange syndrome in whom a de novo SMC1A splice variant was also found (Hansen J et al. 2013. PubMed ID: 23863341). This variant is reported in 0.010% of alleles in individuals of Ashkenazi Jewish descent in gnomAD. At this time, the clinical significance of this variant is uncertain due to the absence of conclusive functional and genetic evidence.

GeneDx
Classification: Uncertain significance. Last evaluated: 2021-12-01. Review status: criteria provided, single submitter. Criteria: GeneDx Variant Classification Process June 2021. Collection method: clinical testing. Allele origin: germline. Affected: yes.
Comment: The V385G variant has been previously identified in a patient with multiple anomalies including microcephaly, developmental delay, seizures and features suggestive of Cornelia de Lange syndrome who also harbored a likely causative variant in the SMC1A gene (Hansen et al., 2013); In silico analysis, which includes splice predictors and evolutionary conservation, suggests this variant may impact gene splicing. In the absence of RNA/functional studies, the actual effect of this sequence change is unknown.; In silico analysis supports that this missense variant has a deleterious effect on protein structure/function; This variant is associated with the following publications: (PMID: 23863341)